The following is an entry in ClinVar:

ClinVar aggregate classification (germline): Uncertain significance (1 of 4 stars; one submission).

Conditions:
Perlman syndrome (PRLMNS). Identifiers: Orphanet 2849, MedGen C0796113, MONDO:0009965, OMIM 267000.

Submission:

Labcorp Genetics (formerly Invitae), Labcorp
Classification: Uncertain significance for Perlman syndrome. Last evaluated: 2022-04-28. Review status: criteria provided, single submitter. Criteria: Invitae Variant Classification Sherloc (09022015). Collection method: clinical testing. Allele origin: germline.
Comment: This variant is not present in population databases (gnomAD no frequency). This sequence change affects codon 44 of the DIS3L2 mRNA. It is a 'silent' change, meaning that it does not change the encoded amino acid sequence of the DIS3L2 protein. This variant has not been reported in the literature in individuals affected with DIS3L2-related conditions. Algorithms developed to predict the effect of sequence changes on RNA splicing suggest that this variant may disrupt the consensus splice site. In summary, the available evidence is currently insufficient to determine the role of this variant in disease. Therefore, it has been classified as a Variant of Uncertain Significance.

NM_152383.5(DIS3L2):c.132G>T (p.Gly44=)

Gene: DIS3L2 (DIS3 like 3'-5' exoribonuclease 2; plus strand). Cytogenetic location: 2q37.1.
Variant type: single nucleotide variant.
Coding change: c.132G>T on transcript NM_152383.5 (MANE Select); coding-DNA position 132, G replaced by T.
Protein change: p.Gly44=; no amino-acid change (glycine 44 retained).
Molecular consequence: synonymous variant. On other transcripts: non-coding transcript variant (2).
Genome position (GRCh38, 1-based): chr2:232,015,593, G>T. VCF-style: chr2-232015593-G-T. GRCh37 (hg19) VCF-style: chr2-232880303-G-T.
Other names: c.132G>T, p.Gly44= (NM_001257281.2, NM_001257282.2).
Identifiers: ClinVar variation 2131008 (VCV002131008.4), dbSNP rs2469595787, ClinGen allele CA431908848.